The following is an entry in ClinVar:

NC_000023.10:g.(?_153640161)_(153649363_?)del

Genes: TAFAZZIN (tafazzin, phospholipid-lysophospholipid transacylase; plus strand), DNASE1L1 (deoxyribonuclease 1 like 1; minus strand). Cytogenetic location: Xq28.
Variant type: Deletion.
Identifiers: ClinVar variation 1070847 (VCV001070847.1).

ClinVar aggregate classification (germline): Pathogenic (1 of 4 stars; one submission).

Conditions:
3-Methylglutaconic aciduria type 2 (BTHS). Also called: Barth syndrome; CARDIOSKELETAL MYOPATHY WITH NEUTROPENIA AND ABNORMAL MITOCHONDRIA. Identifiers: Orphanet 111, MedGen C0574083, MONDO:0010543, OMIM 302060.

Submission:

Labcorp Genetics (formerly Invitae), Labcorp
Classification: Pathogenic for 3-Methylglutaconic aciduria type 2. Last evaluated: 2020-02-01. Review status: criteria provided, single submitter. Criteria: Invitae Variant Classification Sherloc (09022015). Collection method: clinical testing. Allele origin: germline.
Comment: A gross deletion of the genomic region encompassing the full coding sequence of the TAZ gene has been identified. The boundaries of this event are unknown as the deletion extends beyond the assayed region for this gene and therefore may encompass additional genes. Isolated whole-gene deletions of TAZ have not been reported in the literature. However, larger copy number events that include this gene have been reported (PMID: 19396829). Loss-of-function variants in TAZ are known to be pathogenic (PMID: 16427346, 22382802, 23409742). For these reasons, this variant has been classified as Pathogenic.

Literature cited by the submitters: PubMed 19396829; PubMed 16427346; PubMed 22382802; PubMed 23409742.